The following is an entry in ClinVar:

NM_001130823.3(DNMT1):c.1003G>A (p.Glu335Lys)

Gene: DNMT1 (DNA methyltransferase 1; minus strand). Cytogenetic location: 19p13.2.
Variant type: single nucleotide variant.
Coding change: c.1003G>A on transcript NM_001130823.3 (MANE Select); coding-DNA position 1003, G replaced by A.
Protein change: p.Glu335Lys; replaces glutamic acid 335 with lysine.
Molecular consequence: missense variant.
Genome position (GRCh38, 1-based): chr19:10,162,672, C>T on the plus strand (G>A on the coding strand, the complement: DNMT1 is on the minus strand). VCF-style: chr19-10162672-C-T. GRCh37 (hg19) VCF-style: chr19-10273348-C-T.
Other names: c.955G>A, p.Glu319Lys (NM_001318730.2, NM_001379.4); c.640G>A, p.Glu214Lys (NM_001318731.2); short protein forms E214K, E319K, E335K.
Identifiers: ClinVar variation 4755694 (VCV004755694.1).
Genomic context (GRCh38, chr19:10,162,672, plus strand): 5'-GTCTTGGGGAAAAAAAAAAAAAAAAAAAAGAAAGAAAGAAAAGTGAGACCTTTACCTTTT[C>T]ATCCTCGTCTTTTTCATCAGAAATCTGTGGATTTACTTTTTCAGGTTCTTTTTCTTCGGG-3'
Protein context (NP_001124295.1, residues 325-345): PQISDEKDED[Glu335Lys]KEEKRRKTTP

ClinVar aggregate classification (germline): Uncertain significance (1 of 4 stars; one submission).

gnomAD v4.1: 3 of 1,606,392 alleles (0.00019%); highest among the groups gnomAD compares: Non-Finnish European, 0.00017%; no homozygotes.

Submission:

GeneDx
Classification: Uncertain significance. Last evaluated: 2025-08-04. Review status: criteria provided, single submitter. Criteria: GeneDx Variant Classification Process June 2021. Collection method: clinical testing. Allele origin: germline. Affected: yes.
Comment: Not observed at significant frequency in large population cohorts (gnomAD); In silico analysis suggests that this missense variant does not alter protein structure/function; Has not been previously published as pathogenic or benign to our knowledge